The following is an entry in ClinVar:

NM_001127217.3(SMAD9):c.127A>G (p.Lys43Glu)

Gene: SMAD9 (SMAD family member 9; minus strand). Cytogenetic location: 13q13.3.
Variant type: single nucleotide variant.
Coding change: c.127A>G on transcript NM_001127217.3 (MANE Select); coding-DNA position 127, A replaced by G.
Protein change: p.Lys43Glu; replaces lysine 43 with glutamic acid.
Molecular consequence: missense variant.
Genome position (GRCh38, 1-based): chr13:36,879,563, T>C on the plus strand (A>G on the coding strand, the complement: SMAD9 is on the minus strand). VCF-style: chr13-36879563-T-C. GRCh37 (hg19) VCF-style: chr13-37453700-T-C.
Other names: c.127A>G, p.Lys43Glu (NM_001378621.1, NM_005905.6); c.127A>G (NM_001127217.2); short protein forms K43E.
Identifiers: ClinVar variation 56969 (VCV000056969.6), dbSNP rs397514715, ClinGen allele CA211294.

ClinVar aggregate classification (germline): Likely benign. Review status: criteria provided, single submitter (1 of 4 stars). 3 submissions from 3 submitters: Likely benign (1). 2 of the submissions do not count toward it. Last evaluated 2025-10-01.

Conditions:
SMAD9-related disorder. Also called: SMAD9-related condition.
Pulmonary hypertension, primary, 2. Identifiers: Orphanet 422, MedGen C3888002, MONDO:0014134, OMIM 615342.

Allele frequency attached by ClinVar (database versions not stated): gnomAD 0.00003; gnomAD exomes 0.00003 and 0.00010; ExAC 0.00011; TOPMed 0.00002.
gnomAD v4.1: 47 of 1,614,090 alleles (0.0029%); highest among the groups gnomAD compares: East Asian, 0.1%; no homozygotes.

Submissions (3):

Labcorp Genetics (formerly Invitae), Labcorp
Classification: Likely benign for Pulmonary hypertension, primary, 2. Last evaluated: 2025-10-01. Review status: criteria provided, single submitter. Criteria: Invitae Variant Classification Sherloc (09022015). Collection method: clinical testing. Allele origin: germline.

PreventionGenetics, part of Exact Sciences
Classification: Uncertain significance for SMAD9-related condition. Last evaluated: 2024-01-15. Review status: no assertion criteria provided. Collection method: clinical testing. Allele origin: germline. Not counted in ClinVar's aggregate classification.
Comment: The SMAD9 c.127A>G variant is predicted to result in the amino acid substitution p.Lys43Glu. This variant has been reported in an individual with pulmonary arterial hypertension and functional studies were inconclusive as to the variant's effect on protein function (Nasim et al. 2011. PubMed ID: 21898662). This variant is reported in 0.15% of alleles in individuals of East Asian descent in gnomAD. Although we suspect that this variant may be benign, at this time, the clinical significance of this variant is uncertain due to the absence of conclusive functional and genetic evidence.

OMIM
Classification: Pathogenic for PULMONARY HYPERTENSION, PRIMARY, 2. Last evaluated: 2011-12-01. Review status: no assertion criteria provided. Collection method: literature only. Allele origin: germline. Not counted in ClinVar's aggregate classification.

Literature cited by the submitters: PubMed 21898662 (cited by OMIM).